The following is an entry in ClinVar:

ClinVar aggregate classification (germline): Conflicting classifications of pathogenicity. Review status: criteria provided, conflicting classifications (1 of 4 stars). 2 submissions from 2 submitters: Likely pathogenic (1); Uncertain significance (1). Last evaluated 2024-10-01.

Conditions:
Upshaw-Schulman syndrome (TTP). Also called: Congenital thrombotic thrombocytopenic purpura; THROMBOTIC THROMBOCYTOPENIC PURPURA, HEREDITARY. Identifiers: Orphanet 93583, MedGen C1268935, MONDO:0010122, OMIM 274150.

Submissions (2):

CeGaT Center for Human Genetics Tuebingen
Classification: Likely pathogenic. Last evaluated: 2024-10-01. Review status: criteria provided, single submitter. Criteria: CeGaT Center For Human Genetics Tuebingen Variant Classification Criteria Version 2. Collection method: clinical testing. Allele origin: germline. Affected: yes. Observed: 1 variant allele.
Comment: ADAMTS13: PM2, PM3, PM4

Fulgent Genetics
Classification: Uncertain significance for Upshaw-Schulman syndrome. Last evaluated: 2024-01-06. Review status: criteria provided, single submitter. Criteria: ACMG Guidelines, 2015. Collection method: clinical testing. Allele origin: germline.

NM_139027.6(ADAMTS13):c.197AGAGGC[5] (p.Arg73_Arg74insGlnArg)

Gene: ADAMTS13 (ADAM metallopeptidase with thrombospondin type 1 motif 13; plus strand). Cytogenetic location: 9q34.2.
Variant type: Microsatellite.
Coding change: c.197AGAGGC[5] on transcript NM_139027.6 (MANE Select); five copies in a row of the 6-base unit AGAGGC starting at c.197; the reference has four copies in a row; one copy, 6 bases duplicated.
Protein change: p.Arg73_Arg74insGlnArg.
Molecular consequence: inframe insertion. On other transcripts: inframe indel (1), non-coding transcript variant (1).
Genome position (GRCh38, 1-based): chr9:133,424,363-133,424,368, AGAGGC duplicated; duplicating any 6 consecutive bases within chr9:133,424,344-133,424,368 gives the same sequence; the position shown is the placement nearest the transcript's 3' end. VCF-style (leftmost placement, unchanged base first): chr9-133424343-C-CCAGAGG. GRCh37 (hg19) VCF-style: chr9-136289463-C-CCAGAGG.
Other names: c.197_202AGAGGC[5], p.Arg73_Arg74insGlnArg (NM_139025.4); c.197AGAGGC[5], p.Arg73_Arg74insGlnArg (NM_139025.5, NM_139026.6); c.215_220dup (NM_139025.4).
Identifiers: ClinVar variation 3388667 (VCV003388667.15).